The following is an entry in ClinVar:

ClinVar aggregate classification (germline): Benign/Likely benign. Review status: criteria provided, multiple submitters, no conflicts (2 of 4 stars). 3 submissions from 3 submitters: Benign (1); Likely benign (2). Last evaluated 2026-01-26.

Conditions:
Hereditary cancer-predisposing syndrome. Also called: Hereditary neoplastic syndrome; Hereditary Cancer Syndrome; Neoplastic Syndromes, Hereditary; Tumor predisposition. Identifiers: Orphanet 140162, MedGen C0027672, MeSH D009386, MONDO:0015356.
Fanconi anemia (FA). Also called: Fanconi's anemia. Identifiers: Orphanet 84, MedGen C0015625, MeSH D005199, MONDO:0019391.

Allele frequency attached by ClinVar (database versions not stated): gnomAD exomes below 0.00001 and 0.00001; gnomAD 0.00001; TOPMed 0.00003; ESP Exome Variant Server 0.00008.
gnomAD v4.1: 22 of 1,613,000 alleles (0.0014%); highest among the groups gnomAD compares: Non-Finnish European, 0.0017%; no homozygotes.

Submissions (3):

Labcorp Genetics (formerly Invitae), Labcorp
Classification: Likely benign for Fanconi anemia. Last evaluated: 2026-01-26. Review status: criteria provided, single submitter. Criteria: Invitae Variant Classification Sherloc (09022015). Collection method: clinical testing. Allele origin: germline.

Ambry Genetics
Classification: Likely benign for Hereditary cancer-predisposing syndrome. Last evaluated: 2017-05-12. Review status: criteria provided, single submitter. Criteria: Ambry Variant Classification Scheme 2023. Collection method: clinical testing. Allele origin: germline.

GeneDx
Classification: Benign. Last evaluated: 2015-09-01. Review status: criteria provided, single submitter. Criteria: GeneDx Variant Classification (06012015). Collection method: clinical testing. Allele origin: germline. Affected: yes.
Comment: This variant is considered likely benign or benign based on one or more of the following criteria: it is a conservative change, it occurs at a poorly conserved position in the protein, it is predicted to be benign by multiple in silico algorithms, and/or has population frequency not consistent with disease.

NM_000136.3(FANCC):c.468A>G (p.Ser156=)

Gene: FANCC (FA complementation group C; minus strand). Cytogenetic location: 9q22.32.
Variant type: single nucleotide variant.
Coding change: c.468A>G on transcript NM_000136.3 (MANE Select); coding-DNA position 468, A replaced by G.
Protein change: p.Ser156=; no amino-acid change (serine 156 retained).
Molecular consequence: synonymous variant.
Genome position (GRCh38, 1-based): chr9:95,171,132, T>C on the plus strand (A>G on the coding strand, the complement: FANCC is on the minus strand). VCF-style: chr9-95171132-T-C. GRCh37 (hg19) VCF-style: chr9-97933414-T-C.
Other names: c.468A>G, p.Ser156= (NM_001243743.2, NM_001243744.2).
Identifiers: ClinVar variation 377840 (VCV000377840.14), dbSNP rs148616725, ClinGen allele CA16605900.